The following is an entry in ClinVar:

NM_000170.3(GLDC):c.1369C>T (p.Gln457Ter)

Gene: GLDC (glycine decarboxylase; minus strand). Cytogenetic location: 9p24.1.
Variant type: single nucleotide variant.
Coding change: c.1369C>T on transcript NM_000170.3 (MANE Select); coding-DNA position 1369, C replaced by T.
Protein change: p.Gln457Ter; replaces glutamine 457 with a stop codon.
Molecular consequence: nonsense.
Genome position (GRCh38, 1-based): chr9:6,592,883, G>A on the plus strand (C>T on the coding strand, the complement: GLDC is on the minus strand). VCF-style: chr9-6592883-G-A. GRCh37 (hg19) VCF-style: chr9-6592883-G-A.
Other names: short protein forms Q457*.
Identifiers: ClinVar variation 3342405 (VCV003342405.3).

ClinVar aggregate classification (germline): Pathogenic/Likely pathogenic. Review status: criteria provided, multiple submitters, no conflicts (2 of 4 stars). 3 submissions from 3 submitters: Pathogenic (1); Likely pathogenic (2). Last evaluated 2026-06-21.

Conditions:
Glycine encephalopathy 1 (GCE1). Identifiers: MedGen CN376801, MONDO:0958179, OMIM 605899.
Glycine encephalopathy. Also called: Nonketotic hyperglycinemia; Non-ketotic hyperglycinemia. Identifiers: Orphanet 407, MedGen C0751748, MONDO:0011612, HP:0008288.

Submissions (3):

Myriad Genetics, Inc.
Classification: Pathogenic for Glycine encephalopathy 1. Last evaluated: 2026-06-21. Review status: criteria provided, single submitter. Criteria: Myriad Autosomal Dominant, Autosomal Recessive and X-Linked Classification Criteria (2023). Collection method: clinical testing. Allele origin: unknown.
Comment: NM_000170.2(GLDC):c.1369C>T(Q457*) is expected to be pathogenic in the context of glycine encephalopathy, GLDC-related. This variant is predicted to lead to an abnormal or absent protein product due to the creation of a premature termination codon in GLDC, a gene where loss-of-function variants are known to be pathogenic. Please note: this variant was assessed in the context of healthy population screening.

Natera, Inc.
Classification: Likely pathogenic for Non-ketotic hyperglycinemia. Last evaluated: 2024-08-29. Review status: criteria provided, single submitter. Criteria: Natera Variant Classification Schema (03/2026). Collection method: clinical testing. Allele origin: germline.
Comment: The c.1369C>T variant in GLDC is a nonsense variant predicted to introduce a stop codon at amino acid 457. This variant is expected to result in nonsense mediated decay, truncation, or a dysfunctional protein product. This variant is rare in the general population with a frequency below the threshold expected for the associated phenotype(s). Given the available evidence, this variant is classified as Likely Pathogenic.

GeneDx
Classification: Likely pathogenic. Last evaluated: 2024-03-08. Review status: criteria provided, single submitter. Criteria: GeneDx Variant Classification Process June 2021. Collection method: clinical testing. Allele origin: germline. Affected: yes.
Comment: Nonsense variant predicted to result in protein truncation or nonsense mediated decay in a gene for which loss of function is a known mechanism of disease; Not observed at significant frequency in large population cohorts (gnomAD); Has not been previously published as pathogenic or benign to our knowledge